The following is an entry in ClinVar:

ClinVar aggregate classification (germline): Benign/Likely benign. Review status: criteria provided, multiple submitters, no conflicts (2 of 4 stars). 4 submissions from 3 submitters: Benign (2); Likely benign (2). Last evaluated 2021-05-11.

Conditions:
Familial spontaneous pneumothorax (PSP). Identifiers: Orphanet 2903, MedGen C1868193, MONDO:0008259, OMIM 173600.
Birt-Hogg-Dube syndrome. Also called: Birt Hogg Dubé syndrome. Identifiers: Orphanet 122, MedGen C0346010, MONDO:0800444.

Allele frequency attached by ClinVar (database versions not stated): gnomAD 0.03206 and 0.03514; TOPMed 0.03816; 1000 Genomes Project 30x 0.05215; 1000 Genomes Project 0.05491.

Submissions (4):

GeneDx
Classification: Likely benign. Last evaluated: 2021-05-11. Review status: criteria provided, single submitter. Criteria: GeneDx Variant Classification Process June 2021. Collection method: clinical testing. Allele origin: germline. Affected: yes.

Illumina Laboratory Services, Illumina
Classification: Benign for Birt-Hogg-Dube syndrome 1. Last evaluated: 2018-01-12. Review status: criteria provided, single submitter. Criteria: ICSL Variant Classification Criteria 13 December 2019. Collection method: clinical testing. Allele origin: germline.
Comment: This variant was observed in the ICSL laboratory as part of a predisposition screen in an ostensibly healthy population. It had not been previously curated by ICSL or reported in the Human Gene Mutation Database (HGMD: prior to June 1st, 2018), and was therefore a candidate for classification through an automated scoring system. Utilizing variant allele frequency, disease prevalence and penetrance estimates, and inheritance mode, an automated score was calculated to assess if this variant is too frequent to cause the disease. Based on the score and internal cut-off values, a variant classified as benign is not then subjected to further curation. The score for this variant resulted in a classification of benign for this disease.

Illumina Laboratory Services, Illumina
Classification: Benign for Familial spontaneous pneumothorax. Last evaluated: 2018-01-12. Review status: criteria provided, single submitter. Criteria: ICSL Variant Classification Criteria 13 December 2019. Collection method: clinical testing. Allele origin: germline.
Comment: the same text as in the submission from Illumina Laboratory Services, Illumina above.

Breakthrough Genomics
Classification: Likely benign. Review status: criteria provided, single submitter. Criteria: ACMG Guidelines, 2015. Collection method: not provided. Allele origin: germline. Inheritance: Autosomal dominant inheritance. Affected: yes.

NM_144997.7(FLCN):c.*393G>A

Gene: FLCN (folliculin; minus strand). Cytogenetic location: 17p11.2.
Variant type: single nucleotide variant.
Coding change: c.*393G>A on transcript NM_144997.7 (MANE Select); 393 bases downstream of the stop codon, G replaced by A.
Molecular consequence: 3 prime UTR variant.
Genome position (GRCh38, 1-based): chr17:17,213,262, C>T on the plus strand (G>A on the coding strand, the complement: FLCN is on the minus strand). VCF-style: chr17-17213262-C-T. GRCh37 (hg19) VCF-style: chr17-17116576-C-T.
Other names: c.*393G>A (NM_001353229.2, NM_001353230.2, NM_001353231.2 and 1 more transcripts).
Identifiers: ClinVar variation 322053 (VCV000322053.7), dbSNP rs12602675, ClinGen allele CA10639016.